The following is an entry in ClinVar:

NM_017777.4(MKS1):c.516-10T>C

Gene: MKS1 (MKS transition zone complex subunit 1; minus strand). Cytogenetic location: 17q22.
Variant type: single nucleotide variant.
Coding change: c.516-10T>C on transcript NM_017777.4 (MANE Select); 10 bases into the intron before coding-DNA position 516, T replaced by C.
Molecular consequence: intron variant.
Genome position (GRCh38, 1-based): chr17:58,214,397, A>G on the plus strand (T>C on the coding strand, the complement: MKS1 is on the minus strand). VCF-style: chr17-58214397-A-G. GRCh37 (hg19) VCF-style: chr17-56291758-A-G.
Other names: c.-94-10T>C (NM_001321268.2); c.516-10T>C (NM_001330397.2, NM_001321269.2).
Identifiers: ClinVar variation 291146 (VCV000291146.23), dbSNP rs375046501, ClinGen allele CA8669483.

ClinVar aggregate classification (germline): Conflicting classifications of pathogenicity. Review status: criteria provided, conflicting classifications (1 of 4 stars). 7 submissions from 7 submitters: Uncertain significance (2); Likely benign (2). 3 of the submissions do not count toward it. Last evaluated 2025-12-22.

Conditions:
MKS1-related disorder. Also called: MKS1-related condition; MKS1-related disorders. Identifiers: MedGen CN239382.
Meckel-Gruber syndrome. Also called: DYSENCEPHALIA SPLANCHNOCYSTICA; GRUBER SYNDROME; Dysencephalia splachnocystica. Identifiers: Orphanet 564, MedGen C0265215, MONDO:0018921.
Joubert syndrome. Also called: JOUBERT-BOLTSHAUSER SYNDROME; Familial aplasia of the vermis. Identifiers: Orphanet 475, MedGen C5979921, MONDO:0018772.

Allele frequency attached by ClinVar (database versions not stated): ESP Exome Variant Server 0.00008; gnomAD 0.00009; TOPMed 0.00011; gnomAD exomes 0.00015 and 0.00020; ExAC 0.00025.

Submissions (7):

Labcorp Genetics (formerly Invitae), Labcorp
Classification: Likely benign for Joubert syndrome; Meckel-Gruber syndrome. Last evaluated: 2025-12-22. Review status: criteria provided, single submitter. Criteria: Invitae Variant Classification Sherloc (09022015). Collection method: clinical testing. Allele origin: germline.

Blueprint Genetics
Classification: Likely benign. Last evaluated: 2024-11-04. Review status: criteria provided, single submitter. Criteria: ACMG Guidelines, 2015. Collection method: clinical testing. Allele origin: germline.

GeneDx
Classification: Uncertain significance. Last evaluated: 2019-05-01. Review status: criteria provided, single submitter. Criteria: GeneDx Variant Classification Process June 2021. Collection method: clinical testing. Allele origin: germline. Affected: yes.
Comment: Has not been previously published as pathogenic or benign to our knowledge; In silico analysis, which includes splice predictors and evolutionary conservation, suggests this variant may impact gene splicing. In the absence of RNA/functional studies, the actual effect of this sequence change is unknown.

Eurofins Ntd Llc (ga)
Classification: Uncertain significance. Last evaluated: 2016-09-06. Review status: criteria provided, single submitter. Criteria: EGL Classification Definitions 2015. Collection method: clinical testing. Allele origin: germline. Observed: 1 variant allele, 1 heterozygote.

PreventionGenetics, part of Exact Sciences
Classification: Likely benign for MKS1-related condition. Last evaluated: 2019-02-20. Review status: no assertion criteria provided. Collection method: clinical testing. Allele origin: germline. Not counted in ClinVar's aggregate classification.
Comment: This variant is classified as likely benign based on ACMG/AMP sequence variant interpretation guidelines (Richards et al. 2015 PMID: 25741868, with internal and published modifications).

Clinical Genetics DNA and cytogenetics Diagnostics Lab, Erasmus MC, Erasmus Medical Center
Classification: Likely benign. Review status: no assertion criteria provided. Collection method: clinical testing. Allele origin: germline. Affected: yes. Study: VKGL Data-share Consensus. Not counted in ClinVar's aggregate classification.

Genome Diagnostics Laboratory, University Medical Center Utrecht
Classification: Likely benign. Review status: no assertion criteria provided. Collection method: clinical testing. Allele origin: germline. Affected: yes. Study: VKGL Data-share Consensus. Not counted in ClinVar's aggregate classification.